The following is an entry in ClinVar:

ClinVar aggregate classification (germline): Pathogenic (1 of 4 stars; one submission).

Submission:

Labcorp Genetics (formerly Invitae), Labcorp
Classification: Pathogenic. Last evaluated: 2025-04-10. Review status: criteria provided, single submitter. Criteria: Invitae Variant Classification Sherloc (09022015). Collection method: clinical testing. Allele origin: germline.
Comment: This variant, c.6_7delinsGA, is a complex sequence change that results in the deletion of 2 and insertion of 2 amino acid(s) in the RARS protein (p.Asp2_Val3delinsGluIle). Information on the frequency of this variant in the gnomAD database is not available, as this variant may be reported differently in the database. This variant has not been reported in the literature in individuals affected with RARS-related conditions. Experimental studies and prediction algorithms are not available or were not evaluated, and the functional significance of this variant is currently unknown. This variant disrupts a region of the RARS protein in which other variant(s) (p.Asp2Gly) have been determined to be pathogenic (PMID: 24777941, 28905880). This suggests that this is a clinically significant region of the protein, and that variants that disrupt it are likely to be disease-causing. For these reasons, this variant has been classified as Pathogenic.

Literature cited by the submitters: PubMed 24777941; PubMed 28905880.

NM_002887.4(RARS1):c.6_7delinsGA (p.Asp2_Val3delinsGluIle)

Gene: RARS1 (arginyl-tRNA synthetase 1; plus strand). Cytogenetic location: 5q34.
Variant type: Indel.
Coding change: c.6_7delinsGA on transcript NM_002887.4 (MANE Select); coding-DNA positions 6 to 7, CG replaced by GA.
Protein change: p.Asp2_Val3delinsGluIle.
Molecular consequence: missense variant.
Genome position (GRCh38, 1-based): chr5:168,486,504-168,486,505, CG replaced by GA. VCF-style: chr5-168486504-CG-GA. GRCh37 (hg19) VCF-style: chr5-167913509-CG-GA.
Identifiers: ClinVar variation 4798624 (VCV004798624.1).